The following is an entry in ClinVar:

ClinVar aggregate classification (germline): Likely benign. Review status: criteria provided, single submitter (1 of 4 stars). 2 submissions from 2 submitters: Likely benign (1). 1 of the submissions does not count toward it. Last evaluated 2024-12-31.

Conditions:
MEGF8-related disorder. Also called: MEGF8-related condition.
MEGF8-related Carpenter syndrome. Also called: Carpenter syndrome 2. Identifiers: Orphanet 65759, MedGen C3554247, MONDO:0013998, OMIM 614976.

Allele frequency attached by ClinVar (database versions not stated): gnomAD 0.00003; TOPMed 0.00005; ExAC 0.00008; 1000 Genomes Project 30x 0.00016; 1000 Genomes Project 0.00020.
gnomAD v4.1: 37 of 1,606,044 alleles (0.0023%); highest among the groups gnomAD compares: East Asian, 0.027%; no homozygotes.

Submissions (2):

Labcorp Genetics (formerly Invitae), Labcorp
Classification: Likely benign for MEGF8-related Carpenter syndrome. Last evaluated: 2024-12-31. Review status: criteria provided, single submitter. Criteria: Invitae Variant Classification Sherloc (09022015). Collection method: clinical testing. Allele origin: germline.

PreventionGenetics, part of Exact Sciences
Classification: Likely benign for MEGF8-related condition. Last evaluated: 2019-10-22. Review status: no assertion criteria provided. Collection method: clinical testing. Allele origin: germline. Not counted in ClinVar's aggregate classification.
Comment: This variant is classified as likely benign based on ACMG/AMP sequence variant interpretation guidelines (Richards et al. 2015 PMID: 25741868, with internal and published modifications).

NM_001271938.2(MEGF8):c.7770C>T (p.Arg2590=)

Gene: MEGF8 (multiple EGF like domains 8; plus strand). Cytogenetic location: 19q13.2.
Variant type: single nucleotide variant.
Coding change: c.7770C>T on transcript NM_001271938.2 (MANE Select); coding-DNA position 7770, C replaced by T.
Protein change: p.Arg2590=; no amino-acid change (arginine 2590 retained).
Molecular consequence: synonymous variant.
Genome position (GRCh38, 1-based): chr19:42,376,007, C>T. VCF-style: chr19-42376007-C-T. GRCh37 (hg19) VCF-style: chr19-42880159-C-T.
Other names: c.7569C>T (NM_001410.2); c.7569C>T, p.Arg2523= (NM_001410.3).
Identifiers: ClinVar variation 2041590 (VCV002041590.6), dbSNP rs558377122, ClinGen allele CA9476257.